The following is an entry in ClinVar:

NM_000277.3(PAH):c.1200-3T>G

Gene: PAH (phenylalanine hydroxylase; minus strand). Cytogenetic location: 12q23.2.
Variant type: single nucleotide variant.
Coding change: c.1200-3T>G on transcript NM_000277.3 (MANE Select); 3 bases into the intron before coding-DNA position 1200, T replaced by G.
Molecular consequence: intron variant.
Genome position (GRCh38, 1-based): chr12:102,840,518, A>C on the plus strand (T>G on the coding strand, the complement: PAH is on the minus strand). VCF-style: chr12-102840518-A-C. GRCh37 (hg19) VCF-style: chr12-103234296-A-C.
Other names: c.1200-3T>G (NM_001354304.2).
Identifiers: ClinVar variation 987768 (VCV000987768.1), dbSNP rs1874550090, ClinGen allele CA1139532534.
Genomic context (GRCh38, chr12:102,840,518, plus strand): 5'-TTGGGTGTATGGGTCGTAGCGAACTGAGAAGGGCCGAGGTATTGTGGCAGCAAAGTTCCT[A>C]AGACCAAAACCACAGGCTTGAGTGAAGGGCACCATTTGGAGAAAGGTAGTCTTAAGAGAG-3'

ClinVar aggregate classification (germline): Likely pathogenic (3 of 4 stars; one submission).

Conditions:
Phenylketonuria (PKU). Also called: OLIGOPHRENIA PHENYLPYRUVICA; Phenylketonuria (PKU); Phenylketonurias; FOLLING DISEASE. Identifiers: Orphanet 716, MedGen C0031485, MONDO:0009861, OMIM 261600. Disease mechanism: loss of function.

Submission:

ClinGen PAH Variant Curation Expert Panel
Classification: Likely pathogenic for Phenylketonuria. Last evaluated: 2020-10-16. Review status: reviewed by expert panel. Criteria: ClinGen PAH ACMG Specifications v1. Collection method: curation. Allele origin: germline. Inheritance: Autosomal recessive inheritance.
Comment: Patients with BH4 cofactor deficiency were excluded but only urinary pterin analysis was mentioned as a method of exclusion (PMID:28982351). According to in silico splicing predictions, this variant is probably damaging. The variant is absent from controls in population databases. In summary, this variant meets criteria to be classified as Likely Pathogenic for PAH. PAH-specific ACMG/AMP criteria applied: PM2, PM3, PP3, and PP4.

Literature cited by the submitters: PubMed 28982351.